The following is an entry in ClinVar:

ClinVar aggregate classification (germline): Benign (0 of 4 stars; one submission).

Conditions:
RUBCN-related disorder. Also called: RUBCN-related condition.

Allele frequency attached by ClinVar (database versions not stated): gnomAD exomes 0.00021; ExAC 0.00070; ESP Exome Variant Server 0.00186; gnomAD 0.00207; TOPMed 0.00235; 1000 Genomes Project 0.00260; 1000 Genomes Project 30x 0.00265.
gnomAD v4.1: 635 of 1,607,874 alleles (0.039%); highest among the groups gnomAD compares: African/African-American, 0.77%; 4 homozygotes.

Submission:

PreventionGenetics, part of Exact Sciences
Classification: Benign for RUBCN-related condition. Last evaluated: 2019-12-05. Review status: no assertion criteria provided. Collection method: clinical testing. Allele origin: germline.
Comment: This variant is classified as benign based on ACMG/AMP sequence variant interpretation guidelines (Richards et al. 2015 PMID: 25741868, with internal and published modifications).

NM_014687.4(RUBCN):c.1294C>G (p.Pro432Ala)

Gene: RUBCN (rubicon autophagy regulator; minus strand). Cytogenetic location: 3q29.
Variant type: single nucleotide variant.
Coding change: c.1294C>G on transcript NM_014687.4 (MANE Select); coding-DNA position 1294, C replaced by G.
Protein change: p.Pro432Ala; replaces proline 432 with alanine.
Molecular consequence: missense variant.
Genome position (GRCh38, 1-based): chr3:197,697,017, G>C on the plus strand (C>G on the coding strand, the complement: RUBCN is on the minus strand). VCF-style: chr3-197697017-G-C. GRCh37 (hg19) VCF-style: chr3-197423888-G-C.
Other names: c.1159C>G, p.Pro387Ala (NM_001145642.5); c.1339C>G, p.Pro447Ala (NM_001346873.2); short protein forms P387A, P432A, P447A.
Identifiers: ClinVar variation 3048286 (VCV003048286.2), dbSNP rs61746462, ClinGen allele CA2786996.